The following is an entry in ClinVar:

NM_015978.3(TNNI3K):c.1780A>G (p.Ile594Val)

Genes: FPGT-TNNI3K (FPGT-TNNI3K readthrough; plus strand), TNNI3K (TNNI3 interacting kinase; plus strand). Cytogenetic location: 1p31.1.
Variant type: single nucleotide variant.
Coding change: c.1780A>G on transcript NM_015978.3 (MANE Select); coding-DNA position 1780, A replaced by G.
Protein change: p.Ile594Val; replaces isoleucine 594 with valine.
Molecular consequence: missense variant.
Genome position (GRCh38, 1-based): chr1:74,436,087, A>G. VCF-style: chr1-74436087-A-G. GRCh37 (hg19) VCF-style: chr1-74901771-A-G.
Other names: c.2083A>G, p.Ile695Val (NM_001112808.3, NM_001199327.2); short protein forms I594V, I695V.
Identifiers: ClinVar variation 3604829 (VCV003604829.3).

ClinVar aggregate classification (germline): Uncertain significance. Review status: criteria provided, multiple submitters, no conflicts (2 of 4 stars). 2 submissions from 2 submitters: Uncertain significance (2). Last evaluated 2025-12-15.

gnomAD v4.1: 2 of 1,533,534 alleles (0.00013%); highest among the groups gnomAD compares: Admixed American, 0.004%; no homozygotes.

Submissions (2):

Labcorp Genetics (formerly Invitae), Labcorp
Classification: Uncertain significance. Last evaluated: 2025-12-15. Review status: criteria provided, single submitter. Criteria: Invitae Variant Classification Sherloc (09022015). Collection method: clinical testing. Allele origin: germline.
Comment: This sequence change replaces isoleucine, which is neutral and non-polar, with valine, which is neutral and non-polar, at codon 594 of the TNNI3K protein (p.Ile594Val). This variant is not present in population databases (gnomAD no frequency). This variant has not been reported in the literature in individuals affected with TNNI3K-related conditions. ClinVar contains an entry for this variant (Variation ID: 3604829). An algorithm developed to predict the effect of missense changes on protein structure and function (PolyPhen-2) suggests that this variant is likely to be tolerated. In summary, the available evidence is currently insufficient to determine the role of this variant in disease. Therefore, it has been classified as a Variant of Uncertain Significance.

Blueprint Genetics
Classification: Uncertain significance. Last evaluated: 2019-03-06. Review status: criteria provided, single submitter. Criteria: ACMG Guidelines, 2015. Collection method: clinical testing. Allele origin: germline.